The following is an entry in ClinVar:

ClinVar aggregate classification (germline): Uncertain significance (3 of 4 stars; one submission).

Conditions:
Mucopolysaccharidosis type 1. Also called: IDUA deficiency; MPS I; Mucopolysaccharidosis Type I. Identifiers: Orphanet 579, MedGen C0023786, MONDO:0001586.

Submission:

ClinGen Lysosomal Storage Disorder Variant Curation Expert Panel
Classification: Uncertain significance for Mucopolysaccharidosis type 1. Last evaluated: 2026-07-16. Review status: reviewed by expert panel. Criteria: ClinGen LSD ACMG Specifications IDUA V1.2.0. Collection method: curation. Allele origin: germline. Inheritance: Autosomal recessive inheritance.
Comment: NM_000203.5(IDUA):c.1733T>A variant in IDUA is a missense variant in Exon 13, where Leucine (Leu, L) is replaced by Glutamine (Gln, Q) at position 578 p.(Leu578Gln). The variant has been detected in at least one proband with MPS1 (PMIDs: 21521498, 22074387). One proband is compound heterozygous for this variant and a second variant, c.1598C>G p.(Pro533Arg) (PMID: 21521498, 22074387), that has been classified as pathogenic by the ClinGen Lysosomal Diseases VCEP (PM3_Moderate, 1 patient, phase known, 1). There is insufficient data to apply PP4. This variant is absent in gnomAD v4.1.0. (PM2_Supporting). There is no ClinVar entry for this variant. The computational predictor REVEL gives a score of 0.721, which is in the range 0.644-0.773, evidence that correlates with impact to IDUA function at the supporting level (PMID: 36413997) (PP3_Supporting). In summary, this variant meets the criteria to be classified as a variant of Uncertain Significance for MPS1 based on the ACMG/AMP criteria applied, as specified by the ClinGen Lysosomal Disease Variant Curation Expert panel (Specifications Version 1.2.0): PM3_Moderate, PP3_Supporting, PM2_Supporting. (Classification approved by the ClinGen Lysosomal Diseases Variant Curation Expert Panel on July 16, 2026)

NM_000203.5(IDUA):c.1733T>A (p.Leu578Gln)

Gene: IDUA (alpha-L-iduronidase; plus strand). Cytogenetic location: 4p16.3.
Variant type: single nucleotide variant.
Coding change: c.1733T>A on transcript NM_000203.5 (MANE Select); coding-DNA position 1733, T replaced by A.
Protein change: p.Leu578Gln; replaces leucine 578 with glutamine.
Molecular consequence: missense variant. On other transcripts: non-coding transcript variant (1).
Genome position (GRCh38, 1-based): chr4:1,004,017, T>A. VCF-style: chr4-1004017-T-A. GRCh37 (hg19) VCF-style: chr4-997805-T-A.
Other names: NM_001363576.1:c.1337T>A; c.1337T>A, p.Leu446Gln (NM_001363576.1); short protein forms L446Q, L578Q.
Identifiers: ClinVar variation 5016541 (VCV005016541.1).